The following is an entry in ClinVar:

ClinVar aggregate classification (germline): Conflicting classifications of pathogenicity. Review status: criteria provided, conflicting classifications (1 of 4 stars). 9 submissions from 7 submitters: Uncertain significance (1); Likely benign (6). 2 of the submissions do not count toward it. Last evaluated 2026-06-01.

Conditions:
Acute febrile neutrophilic dermatosis (AFND). Also called: Sweet Syndrome; Gomm Button disease. Identifiers: Orphanet 3243, MedGen C0085077, MONDO:0011959, OMIM 608068.
Inborn genetic diseases. Identifiers: MedGen C0950123, MeSH D030342.
Familial Mediterranean fever, autosomal dominant. Also called: FMF, AUTOSOMAL DOMINANT; Dominant Familial Mediterranean Fever. Identifiers: Orphanet 342, MedGen C1851347, MONDO:0007601, OMIM 134610.
Familial Mediterranean fever (FMF). Also called: POLYSEROSITIS, FAMILIAL PAROXYSMAL; POLYSEROSITIS, RECURRENT; Periodic peritonitis; Benign paroxysmal peritonitis. Identifiers: Orphanet 342, MedGen C0031069, MONDO:0018088, OMIM 249100. Disease mechanism: gain of function.

Allele frequency attached by ClinVar (database versions not stated): TOPMed 0.00003; gnomAD 0.00005 and 0.00006; 1000 Genomes Project 30x 0.00016; 1000 Genomes Project 0.00020.
gnomAD v4.1: 73 of 1,613,340 alleles (0.0045%); highest among the groups gnomAD compares: East Asian, 0.13%; 1 homozygote.

Submissions (9):

CeGaT Center for Human Genetics Tuebingen
Classification: Likely benign. Last evaluated: 2026-06-01. Review status: criteria provided, single submitter. Criteria: CeGaT Center For Human Genetics Tuebingen Variant Classification Criteria Version 2. Collection method: clinical testing. Allele origin: germline. Affected: yes. Observed: 2 variant alleles.
Comment: MEFV: BP4, BP7

Labcorp Genetics (formerly Invitae), Labcorp
Classification: Likely benign for Familial Mediterranean fever. Last evaluated: 2025-12-16. Review status: criteria provided, single submitter. Criteria: Invitae Variant Classification Sherloc (09022015). Collection method: clinical testing. Allele origin: germline.

Ambry Genetics
Classification: Likely benign for Inborn genetic diseases. Last evaluated: 2024-12-10. Review status: criteria provided, single submitter. Criteria: Ambry Variant Classification Scheme 2023. Collection method: clinical testing. Allele origin: germline.

Genome-Nilou Lab
Classification: Uncertain significance for Familial Mediterranean fever. Last evaluated: 2023-02-08. Review status: criteria provided, single submitter. Criteria: ACMG Guidelines, 2015. Collection method: clinical testing. Allele origin: germline.

Genome-Nilou Lab
Classification: Likely benign for Familial Mediterranean fever, autosomal dominant. Last evaluated: 2023-02-08. Review status: criteria provided, single submitter. Criteria: ACMG Guidelines, 2015. Collection method: clinical testing. Allele origin: germline.

Genome-Nilou Lab
Classification: Likely benign for Acute febrile neutrophilic dermatosis. Last evaluated: 2023-02-08. Review status: criteria provided, single submitter. Criteria: ACMG Guidelines, 2015. Collection method: clinical testing. Allele origin: germline.

GeneDx
Classification: Likely benign. Last evaluated: 2018-07-12. Review status: criteria provided, single submitter. Criteria: GeneDx Variant Classification Process June 2021. Collection method: clinical testing. Allele origin: germline. Affected: yes.

Natera, Inc.
Classification: Likely benign for Familial Mediterranean fever. Last evaluated: 2020-05-12. Review status: no assertion criteria provided. Collection method: clinical testing. Allele origin: germline. Not counted in ClinVar's aggregate classification.

Unité médicale des maladies autoinflammatoires, CHRU Montpellier
No classification provided. Condition: Familial Mediterranean fever. Review status: no classification provided. Collection method: not provided. Allele origin: unknown. Not counted in ClinVar's aggregate classification.

NM_000243.3(MEFV):c.2337G>C (p.Gly779=)

Gene: MEFV (MEFV innate immunity regulator, pyrin; minus strand). Cytogenetic location: 16p13.3.
Variant type: single nucleotide variant.
Coding change: c.2337G>C on transcript NM_000243.3 (MANE Select); coding-DNA position 2337, G replaced by C.
Protein change: p.Gly779=; no amino-acid change (glycine 779 retained).
Molecular consequence: synonymous variant. On other transcripts: 3 prime UTR variant (1).
Genome position (GRCh38, 1-based): chr16:3,243,150, C>G on the plus strand (G>C on the coding strand, the complement: MEFV is on the minus strand). VCF-style: chr16-3243150-C-G. GRCh37 (hg19) VCF-style: chr16-3293150-C-G.
Other names: c.*541G>C (NM_001198536.2).
Identifiers: ClinVar variation 97510 (VCV000097510.57), dbSNP rs104895153, ClinGen allele CA280569.